The following is an entry in ClinVar:

ClinVar aggregate classification (germline): Likely pathogenic (1 of 4 stars; one submission).

Conditions:
Lysinuric protein intolerance (LPI). Identifiers: Orphanet 470, MedGen C0268647, MONDO:0009109, OMIM 222700.

Submission:

Natera, Inc.
Classification: Likely pathogenic for Lysinuric protein intolerance. Last evaluated: 2025-08-28. Review status: criteria provided, single submitter. Criteria: Natera Variant Classification Schema (03/2026). Collection method: clinical testing. Allele origin: germline.
Comment: The c.1342_1345del variant in SLC7A7 is a frameshift variant predicted to elongate the protein beyond the termination codon. This variant is expected to result in nonsense mediated decay, truncation, or a dysfunctional protein product. This variant is rare in the general population with a frequency below the threshold expected for the associated phenotype(s). Given the available evidence, this variant is classified as Likely Pathogenic.

NM_003982.4(SLC7A7):c.1342_1345del (p.Ala448fs)

Gene: SLC7A7 (solute carrier family 7 member 7; minus strand). Cytogenetic location: 14q11.2.
Variant type: Deletion.
Coding change: c.1342_1345del on transcript NM_003982.4 (MANE Select); coding-DNA positions 1342 to 1345, 4 bases deleted (GCCA; older notation c.1342_1345delGCCA).
Protein change: p.Ala448fs; shifts the reading frame from alanine 448.
Molecular consequence: frameshift variant.
Genome position (GRCh38, 1-based): chr14:22,774,017-22,774,020, TGGC deleted on the plus strand (GCCA on the coding strand, the reverse complement: SLC7A7 is on the minus strand). VCF-style (leftmost placement, unchanged base first): chr14-22774016-ATGGC-A. GRCh37 (hg19) VCF-style: chr14-23243225-ATGGC-A.
Other names: c.1342_1345del, p.Ala448fs (NM_001126105.3, NM_001126106.4); c.1342_1345delGCCA, p.Ala448Leufs (NM_001126106.2); short protein forms A448fs.
Identifiers: ClinVar variation 4814590 (VCV004814590.1).